The following is an entry in ClinVar:

NM_005751.5(AKAP9):c.10641C>A (p.Phe3547Leu)

Gene: AKAP9 (A-kinase anchoring protein 9; plus strand). Cytogenetic location: 7q21.2.
Variant type: single nucleotide variant.
Coding change: c.10641C>A on transcript NM_005751.5 (MANE Select); coding-DNA position 10641, C replaced by A.
Protein change: p.Phe3547Leu; replaces phenylalanine 3547 with leucine.
Molecular consequence: missense variant.
Genome position (GRCh38, 1-based): chr7:92,098,142, C>A. VCF-style: chr7-92098142-C-A. GRCh37 (hg19) VCF-style: chr7-91727456-C-A.
Other names: c.5286C>A, p.Phe1762Leu (NM_001379277.1); c.10617C>A, p.Phe3539Leu (NM_147185.3); short protein forms F3547L, F3539L, F1762L.
Identifiers: ClinVar variation 216634 (VCV000216634.8), dbSNP rs528888059, ClinGen allele CA337788.

ClinVar aggregate classification (germline): Uncertain significance. Review status: criteria provided, multiple submitters, no conflicts (2 of 4 stars). 2 submissions from 2 submitters: Uncertain significance (2). Last evaluated 2024-11-11.

Conditions:
Cardiovascular phenotype. Identifiers: MedGen CN230736.
Long QT syndrome (LQTS). Identifiers: MedGen C0023976, MeSH D008133, MONDO:0002442. Disease mechanism: loss of function. Inheritance: Various modes of inheritance.

Allele frequency attached by ClinVar (database versions not stated): gnomAD exomes below 0.00001 and 0.00002; gnomAD 0.00001 and 0.00002; 1000 Genomes Project 30x 0.00031; 1000 Genomes Project 0.00040; TOPMed 0.00002; ExAC 0.00002.
gnomAD v4.1: 10 of 1,612,540 alleles (0.00062%); highest among the groups gnomAD compares: East Asian, 0.02%; 1 homozygote.

Submissions (2):

Labcorp Genetics (formerly Invitae), Labcorp
Classification: Uncertain significance for Long QT syndrome. Last evaluated: 2024-11-11. Review status: criteria provided, single submitter. Criteria: Invitae Variant Classification Sherloc (09022015). Collection method: clinical testing. Allele origin: germline.
Comment: This sequence change replaces phenylalanine, which is neutral and non-polar, with leucine, which is neutral and non-polar, at codon 3547 of the AKAP9 protein (p.Phe3547Leu). This variant is present in population databases (rs528888059, gnomAD 0.02%). This variant has not been reported in the literature in individuals affected with AKAP9-related conditions. ClinVar contains an entry for this variant (Variation ID: 216634). An algorithm developed to predict the effect of missense changes on protein structure and function outputs the following: PolyPhen-2: "Probably Damaging". The leucine amino acid residue is found in multiple mammalian species, which suggests that this missense change does not adversely affect protein function. In summary, the available evidence is currently insufficient to determine the role of this variant in disease. Therefore, it has been classified as a Variant of Uncertain Significance.

Ambry Genetics
Classification: Uncertain significance for Cardiovascular phenotype. Last evaluated: 2020-09-16. Review status: criteria provided, single submitter. Criteria: Ambry Variant Classification Scheme 2023. Collection method: clinical testing. Allele origin: germline.
Comment: The p.F3547L variant (also known as c.10641C>A), located in coding exon 43 of the AKAP9 gene, results from a C to A substitution at nucleotide position 10641. The phenylalanine at codon 3547 is replaced by leucine, an amino acid with highly similar properties. This amino acid position is well conserved in available vertebrate species; however, leucine is the reference amino acid in other vertebrate species. In addition, this alteration is predicted to be tolerated by in silico analysis. Since supporting evidence is limited at this time, the clinical significance of this alteration remains unclear.